The following is an entry in ClinVar:

ClinVar aggregate classification (germline): Benign (0 of 4 stars; one submission).

Conditions:
SCN7A-related disorder. Also called: SCN7A-related condition.

Allele frequency attached by ClinVar (database versions not stated): 1000 Genomes Project 0.05312; 1000 Genomes Project 30x 0.05403; TOPMed 0.07156; gnomAD 0.07539; ESP Exome Variant Server 0.08108; ExAC 0.08613; gnomAD exomes 0.09253.
gnomAD v4.1: 147,123 of 1,612,570 alleles (9.1%); highest among the groups gnomAD compares: Middle Eastern, 17%; 7,450 homozygotes.

Submission:

PreventionGenetics, part of Exact Sciences
Classification: Benign for SCN7A-related condition. Last evaluated: 2019-11-26. Review status: no assertion criteria provided. Collection method: clinical testing. Allele origin: germline.
Comment: This variant is classified as benign based on ACMG/AMP sequence variant interpretation guidelines (Richards et al. 2015 PMID: 25741868, with internal and published modifications).

NM_002976.4(SCN7A):c.4970A>G (p.Asp1657Gly)

Gene: SCN7A (sodium voltage-gated channel alpha subunit 7; minus strand). Cytogenetic location: 2q24.3.
Variant type: single nucleotide variant.
Coding change: c.4970A>G on transcript NM_002976.4 (MANE Select); coding-DNA position 4970, A replaced by G.
Protein change: p.Asp1657Gly; replaces aspartic acid 1657 with glycine.
Molecular consequence: missense variant. On other transcripts: non-coding transcript variant (1).
Genome position (GRCh38, 1-based): chr2:166,405,659, T>C on the plus strand (A>G on the coding strand, the complement: SCN7A is on the minus strand). VCF-style: chr2-166405659-T-C. GRCh37 (hg19) VCF-style: chr2-167262169-T-C.
Other names: short protein forms D1657G.
Identifiers: ClinVar variation 3055990 (VCV003055990.2), dbSNP rs35344714, ClinGen allele CA1944941.
Genomic context (GRCh38, chr2:166,405,659, plus strand): 5'-GGTGACTTTTCCTTAGCTTTGTCAAAATAGGCACCTTCTTTAGTAGCATGAACATCTCTG[T>C]CACCATCTATCATATGAATATCTGATGTATTTTTGTCATTTCGCCTCAAGCGGTAATTTT-3'
Protein context (NP_002967.2, residues 1647-1667): NTSDIHMIDG[Asp1657Gly]RDVHATKEGA